The following is an entry in ClinVar:

ClinVar aggregate classification (germline): Likely benign. Review status: criteria provided, multiple submitters, no conflicts (2 of 4 stars). 2 submissions from 2 submitters: Likely benign (2). Last evaluated 2023-11-19.

Conditions:
Wilson disease (WND). Also called: Wilson's disease. Identifiers: Orphanet 905, MedGen C0019202, MONDO:0010200, OMIM 277900. Disease mechanism: loss of function.

Allele frequency attached by ClinVar (database versions not stated): ExAC 0.00001; gnomAD 0.00001; TOPMed 0.00001.
gnomAD v4.1: 17 of 1,613,870 alleles (0.0011%); highest among the groups gnomAD compares: Non-Finnish European, 0.0014%; no homozygotes.

Submissions (2):

Labcorp Genetics (formerly Invitae), Labcorp
Classification: Likely benign for Wilson disease. Last evaluated: 2023-11-19. Review status: criteria provided, single submitter. Criteria: Invitae Variant Classification Sherloc (09022015). Collection method: clinical testing. Allele origin: germline.

All of Us Research Program, National Institutes of Health
Classification: Likely benign for Wilson disease. Last evaluated: 2023-04-03. Review status: criteria provided, single submitter. Criteria: ACMG Guidelines, 2015. Collection method: clinical testing. Allele origin: germline. Inheritance: Autosomal recessive inheritance. Observed: 1 variant allele, 1 heterozygote.
Comment: This study involves interpretation of variants in research participants for the purpose of population health screening. Participant phenotype was not available at the time of variant classification. Additional details can be found in publication PMID: 35346344, PMCID: PMC8962531

NM_000053.4(ATP7B):c.3413-14C>T

Gene: ATP7B (ATPase copper transporting beta; minus strand). Cytogenetic location: 13q14.3.
Variant type: single nucleotide variant.
Coding change: c.3413-14C>T on transcript NM_000053.4 (MANE Select); 14 bases into the intron before coding-DNA position 3413, C replaced by T.
Molecular consequence: intron variant.
Genome position (GRCh38, 1-based): chr13:51,941,238, G>A on the plus strand (C>T on the coding strand, the complement: ATP7B is on the minus strand). VCF-style: chr13-51941238-G-A. GRCh37 (hg19) VCF-style: chr13-52515374-G-A.
Other names: c.2927-14C>T (NM_001406541.1, NM_001406542.1); c.3161-14C>T (NM_001406531.1, NM_001406532.1, NM_001330579.2); c.3179-14C>T (NM_001406527.1, NM_001406528.1, NM_001330578.2); c.3074-14C>T (NM_001406537.1); c.3269-14C>T (NM_001406521.1, NM_001406522.1, NM_001406520.1); c.3407-14C>T (NM_001406513.1); c.3413-14C>T (NM_001406511.1, NM_001406512.1, NM_001406526.1); c.3064+1148C>T (NM_001406543.1); and 20 more.
Identifiers: ClinVar variation 3013434 (VCV003013434.4), dbSNP rs760199892, ClinGen allele CA6988699.
Genomic context (GRCh38, chr13:51,941,238, plus strand): 5'-CCACTCACGGTTTCCAATCAGCACAGAGAAGGTCTGGGGGACTGCATCTATTCAAAAGAG[G>A]CTGTGGTTATTTCTAAATGGTCCAATTTCACTGTGAACTAAAAACCATGCAATCCTTTTA-3'